The following is an entry in ClinVar:

ClinVar aggregate classification (germline): Uncertain significance (1 of 4 stars; one submission).

Allele frequency attached by ClinVar (database versions not stated): ExAC 0.00001; gnomAD 0.00001; gnomAD exomes 0.00002; TOPMed 0.00003; ESP Exome Variant Server 0.00008.

Submission:

Labcorp Genetics (formerly Invitae), Labcorp
Classification: Uncertain significance. Last evaluated: 2024-01-22. Review status: criteria provided, single submitter. Criteria: Invitae Variant Classification Sherloc (09022015). Collection method: clinical testing. Allele origin: germline.
Comment: This sequence change replaces arginine, which is basic and polar, with histidine, which is basic and polar, at codon 873 of the DSTYK protein (p.Arg873His). This variant is present in population databases (rs368296430, gnomAD 0.004%). This variant has not been reported in the literature in individuals affected with DSTYK-related conditions. An algorithm developed to predict the effect of missense changes on protein structure and function (PolyPhen-2) suggests that this variant is likely to be disruptive. In summary, the available evidence is currently insufficient to determine the role of this variant in disease. Therefore, it has been classified as a Variant of Uncertain Significance.

NM_015375.3(DSTYK):c.2618G>A (p.Arg873His)

Gene: DSTYK (dual serine/threonine and tyrosine protein kinase; minus strand). Cytogenetic location: 1q32.1.
Variant type: single nucleotide variant.
Coding change: c.2618G>A on transcript NM_015375.3 (MANE Select); coding-DNA position 2618, G replaced by A.
Protein change: p.Arg873His; replaces arginine 873 with histidine.
Molecular consequence: missense variant.
Genome position (GRCh38, 1-based): chr1:205,147,730, C>T on the plus strand (G>A on the coding strand, the complement: DSTYK is on the minus strand). VCF-style: chr1-205147730-C-T. GRCh37 (hg19) VCF-style: chr1-205116858-C-T.
Other names: c.2483G>A, p.Arg828His (NM_199462.3); short protein forms R828H, R873H.
Identifiers: ClinVar variation 2989743 (VCV002989743.3), dbSNP rs368296430, ClinGen allele CA1352529.